The following is an entry in ClinVar:

ClinVar aggregate classification (germline): Likely pathogenic (1 of 4 stars; one submission).

Conditions:
Dilated cardiomyopathy 1G (CMD1G). Identifiers: Orphanet 154, MedGen C1858763, MONDO:0011400, OMIM 604145.

Submission:

Juno Genomics, Hangzhou Juno Genomics, Inc
Classification: Likely pathogenic for Dilated cardiomyopathy 1G. Review status: criteria provided, single submitter. Criteria: ACMG Guidelines, 2015. Collection method: clinical testing. Allele origin: germline.
Comment: Absent from controls (or at extremely low frequency if recessive) in Genome Aggregation Database.;Null variant in a gene where loss of function (LOF) is a known mechanism of disease.

NM_001267550.2(TTN):c.89634_89655del (p.Lys29878fs)

Genes: TTN (titin; minus strand), TTN-AS1 (TTN antisense RNA 1; plus strand). Cytogenetic location: 2q31.2.
Variant type: Deletion.
Coding change: c.89634_89655del on transcript NM_001267550.2 (MANE Select); coding-DNA positions 89634 to 89655, 22 bases deleted (GAATCTTGGCAGTGATGCCAGA).
Protein change: p.Lys29878fs; shifts the reading frame from lysine 29878.
Molecular consequence: frameshift variant.
Genome position (GRCh38, 1-based): chr2:178,553,245-178,553,266, TCTGGCATCACTGCCAAGATTC deleted on the plus strand (GAATCTTGGCAGTGATGCCAGA on the coding strand, the reverse complement: TTN is on the minus strand); deleting any 22 consecutive bases within chr2:178,553,245-178,553,267 gives the same sequence; the c. name uses the placement nearest the transcript's 3' end. VCF-style (leftmost placement, unchanged base first): chr2-178553244-ATCTGGCATCACTGCCAAGATTC-A. GRCh37 (hg19) VCF-style: chr2-179417971-ATCTGGCATCACTGCCAAGATTC-A.
Other names: c.62439_62460del, p.Lys20813fs (NM_003319.4); c.81930_81951del, p.Lys27310fs (NM_133378.4); c.62814_62835del, p.Lys20938fs (NM_133432.3); c.63015_63036del, p.Lys21005fs (NM_133437.4); c.84711_84732del, p.Lys28237fs (NM_001256850.1); short protein forms K20813fs, K20938fs, K21005fs, K27310fs, K28237fs, K29878fs.
Identifiers: ClinVar variation 4796524 (VCV004796524.2).
Genomic context (GRCh38, chr2:178,553,244, plus strand): 5'-CATTGCGAGTAACTTGAGGAATGGTGAGTAATGAGGATGAATCAGTGTTTTCAATGCTGT[ATCTGGCATCACTGCCAAGATTC>A]TTCTCATCTTTTCTCCATGTGACAGTAGGTGGAGGTCTGCCTTTAAAGGGAATCAACACT-3'